The following is an entry in ClinVar:

ClinVar aggregate classification (germline): Pathogenic. Review status: criteria provided, multiple submitters, no conflicts (2 of 4 stars). 4 submissions from 4 submitters: Pathogenic (4). Last evaluated 2024-08-16.

Conditions:
Bartter syndrome. Identifiers: Orphanet 112, MedGen C0004775, MONDO:0015231.
Bartter disease type 1. Also called: HYPERPROSTAGLANDIN E SYNDROME 1; HYPOKALEMIC ALKALOSIS WITH HYPERCALCIURIA 1, ANTENATAL; Bartter syndrome, type 1, antenatal; Bartter Syndrome type 1. Identifiers: Orphanet 112, Orphanet 620217, MedGen C1866495, MONDO:0100344, OMIM 601678, MONDO:0011127.

gnomAD v4.1: 6 of 1,613,026 alleles (0.00037%); highest among the groups gnomAD compares: African/African-American, 0.004%; no homozygotes.

Submissions (4):

Women's Health and Genetics/Laboratory Corporation of America, LabCorp
Classification: Pathogenic for Bartter syndrome. Last evaluated: 2024-08-16. Review status: criteria provided, single submitter. Criteria: LabCorp Variant Classification Summary - May 2015. Collection method: clinical testing. Allele origin: germline.
Comment: Variant summary: SLC12A1 c.2281C>T (p.Arg761X) results in a premature termination codon, predicted to cause a truncation of the encoded protein or absence of the protein due to nonsense mediated decay, which are commonly known mechanisms for disease. The variant allele was found at a frequency of 4e-06 in 250896 control chromosomes. c.2281C>T has been reported in the literature in multiple individuals affected with Bartter Syndrome, Type 1 (e.g., Garcia-Castano_2020). The following publication has been ascertained in the context of this evaluation (PMID: 32997713). ClinVar contains an entry for this variant (Variation ID: 2428826). Based on the evidence outlined above, the variant was classified as pathogenic.

Fulgent Genetics
Classification: Pathogenic for Bartter disease type 1. Last evaluated: 2024-04-18. Review status: criteria provided, single submitter. Criteria: ACMG Guidelines, 2015. Collection method: clinical testing. Allele origin: germline.

Labcorp Genetics (formerly Invitae), Labcorp
Classification: Pathogenic. Last evaluated: 2023-04-13. Review status: criteria provided, single submitter. Criteria: Invitae Variant Classification Sherloc (09022015). Collection method: clinical testing. Allele origin: germline.
Comment: This sequence change creates a premature translational stop signal (p.Arg761*) in the SLC12A1 gene. It is expected to result in an absent or disrupted protein product. Loss-of-function variants in SLC12A1 are known to be pathogenic (PMID: 8640224, 9585600, 19096086). This variant is present in population databases (no rsID available, gnomAD 0.007%). ClinVar contains an entry for this variant (Variation ID: 2428826). This premature translational stop signal has been observed in individual(s) with Bartter syndrome (PMID: 19096086, 32997713). For these reasons, this variant has been classified as Pathogenic.

GeneDx
Classification: Pathogenic. Last evaluated: 2022-08-03. Review status: criteria provided, single submitter. Criteria: GeneDx Variant Classification Process June 2021. Collection method: clinical testing. Allele origin: germline. Affected: yes.
Comment: Nonsense variant predicted to result in protein truncation or nonsense mediated decay in a gene for which loss of function is a known mechanism of disease; Not observed at significant frequency in large population cohorts (gnomAD); This variant is associated with the following publications: (PMID: 25525159, 35358470, 32997713, 19096086)

Literature cited by the submitters: PubMed 32997713 (cited by Women's Health and Genetics/Laboratory Corporation of America, LabCorp and Labcorp Genetics (formerly Invitae), Labcorp); PubMed 8640224 (cited by Labcorp Genetics (formerly Invitae), Labcorp); PubMed 9585600 (cited by Labcorp Genetics (formerly Invitae), Labcorp); PubMed 19096086 (cited by Labcorp Genetics (formerly Invitae), Labcorp).

NM_000338.3(SLC12A1):c.2281C>T (p.Arg761Ter)

Gene: SLC12A1 (solute carrier family 12 member 1; plus strand). Cytogenetic location: 15q21.1.
Variant type: single nucleotide variant.
Coding change: c.2281C>T on transcript NM_000338.3 (MANE Select); coding-DNA position 2281, C replaced by T.
Protein change: p.Arg761Ter; replaces arginine 761 with a stop codon.
Molecular consequence: nonsense.
Genome position (GRCh38, 1-based): chr15:48,267,687, C>T. VCF-style: chr15-48267687-C-T. GRCh37 (hg19) VCF-style: chr15-48559884-C-T.
Other names: c.2281C>T, p.Arg761Ter (NM_001184832.2, NM_001384136.1); short protein forms R761*.
Identifiers: ClinVar variation 2428826 (VCV002428826.8), dbSNP rs199877869, ClinGen allele CA269490021.
Genomic context (GRCh38, chr15:48,267,687, plus strand): 5'-AAGAACAAAATCAAGGCTTTTTATGCTGCAGTGGCGGCAGACTGTTTCAGGGATGGTGTC[C>T]GAAGTCTTCTTCAGGTAAGGCTGCATTGAGGGAATGAGCACAGAGGCAAAAGACAATTAG-3'